The following is an entry in ClinVar:

ClinVar aggregate classification (germline): Benign/Likely benign. Review status: criteria provided, multiple submitters, no conflicts (2 of 4 stars). 5 submissions from 4 submitters: Benign (3); Likely benign (2). Last evaluated 2024-02-24.

Conditions:
Chondrocalcinosis 2. Also called: Familial calcium pyrophosphate deposition; CALCIUM GOUT; CALCIUM PYROPHOSPHATE ARTHROPATHY. Identifiers: Orphanet 1416, MedGen C0856830, MONDO:0007319, OMIM 118600.
Craniometaphyseal dysplasia, autosomal dominant (CMDD). Identifiers: Orphanet 1522, MedGen C1852502, MONDO:0007397, OMIM 123000.

Allele frequency attached by ClinVar (database versions not stated): gnomAD 0.00002; gnomAD exomes 0.00002; TOPMed 0.00002; ExAC 0.00004.
gnomAD v4.1: 31 of 1,601,206 alleles (0.0019%); highest among the groups gnomAD compares: Non-Finnish European, 0.0026%; no homozygotes.

Submissions (5):

Labcorp Genetics (formerly Invitae), Labcorp
Classification: Likely benign. Last evaluated: 2024-02-24. Review status: criteria provided, single submitter. Criteria: Invitae Variant Classification Sherloc (09022015). Collection method: clinical testing. Allele origin: germline.

Blueprint Genetics
Classification: Likely benign. Last evaluated: 2022-01-05. Review status: criteria provided, single submitter. Criteria: ACMG Guidelines, 2015. Collection method: clinical testing. Allele origin: germline.

Genome-Nilou Lab
Classification: Benign for Craniometaphyseal dysplasia, autosomal dominant. Last evaluated: 2021-12-05. Review status: criteria provided, single submitter. Criteria: ACMG Guidelines, 2015. Collection method: clinical testing. Allele origin: germline. Affected: no.

Illumina Laboratory Services, Illumina
Classification: Benign for Chondrocalcinosis 2. Last evaluated: 2018-01-13. Review status: criteria provided, single submitter. Criteria: ICSL Variant Classification Criteria 13 December 2019. Collection method: clinical testing. Allele origin: germline.
Comment: This variant was observed in the ICSL laboratory as part of a predisposition screen in an ostensibly healthy population. It had not been previously curated by ICSL or reported in the Human Gene Mutation Database (HGMD: prior to June 1st, 2018), and was therefore a candidate for classification through an automated scoring system. Utilizing variant allele frequency, disease prevalence and penetrance estimates, and inheritance mode, an automated score was calculated to assess if this variant is too frequent to cause the disease. Based on the score and internal cut-off values, a variant classified as benign is not then subjected to further curation. The score for this variant resulted in a classification of benign for this disease.

Illumina Laboratory Services, Illumina
Classification: Benign for Craniometaphyseal dysplasia, autosomal dominant. Last evaluated: 2018-01-13. Review status: criteria provided, single submitter. Criteria: ICSL Variant Classification Criteria 13 December 2019. Collection method: clinical testing. Allele origin: germline.
Comment: the same text as in the submission from Illumina Laboratory Services, Illumina above.

NM_054027.6(ANKH):c.1365+9G>A

Genes: ANKH (ANKH inorganic pyrophosphate transport regulator; minus strand), OTULIN (OTU deubiquitinase with linear linkage specificity; plus strand), LOC100130744 (uncharacterized LOC100130744; plus strand). Cytogenetic location: 5p15.2.
Variant type: single nucleotide variant.
Coding change: c.1365+9G>A on transcript NM_054027.6 (MANE Select); 9 bases into the intron after coding-DNA position 1365, G replaced by A.
Molecular consequence: intron variant. On other transcripts: non-coding transcript variant (1).
Genome position (GRCh38, 1-based): chr5:14,712,865, C>T on the plus strand (G>A on the coding strand, the complement: ANKH is on the minus strand). VCF-style: chr5-14712865-C-T. GRCh37 (hg19) VCF-style: chr5-14712974-C-T.
Identifiers: ClinVar variation 905792 (VCV000905792.13), dbSNP rs771866688, ClinGen allele CA3208825.